The following is an entry in ClinVar:

ClinVar aggregate classification (germline): Pathogenic/Likely pathogenic. Review status: criteria provided, multiple submitters, no conflicts (2 of 4 stars). 7 submissions from 7 submitters: Pathogenic (3); Likely pathogenic (2). 2 of the submissions do not count toward it. Last evaluated 2024-09-09.

Conditions:
Self-limited epilepsy with centrotemporal spikes. Also called: Rolandic epilepsy; Childhood epilepsy with centrotemporal spikes. Identifiers: Orphanet 1945, MedGen C0376532, MONDO:0007295.
GRIN2A-Related Disorders. Identifiers: MedGen CN381066.
Landau-Kleffner syndrome (FESD). Also called: EPILEPSY, FOCAL, WITH SPEECH DISORDER AND WITH OR WITHOUT MENTAL RETARDATION; APHASIA, ACQUIRED, WITH EPILEPSY. Identifiers: Orphanet 1945, Orphanet 725, Orphanet 98818, MedGen C0282512, MONDO:0009509, OMIM 245570.

Allele frequency attached by ClinVar (database versions not stated): gnomAD exomes below 0.00001.
gnomAD v4.1: 1 of 1,613,944 alleles (0.000062%); no homozygotes.

Submissions (7):

Blueprint Genetics
Classification: Likely pathogenic for GRIN2A-related disorders. Last evaluated: 2024-09-09. Review status: criteria provided, single submitter. Criteria: ACMG Guidelines, 2015. Collection method: clinical testing. Allele origin: germline. Affected: yes. Observed: 1 variant allele.

Labcorp Genetics (formerly Invitae), Labcorp
Classification: Pathogenic for Landau-Kleffner syndrome. Last evaluated: 2023-09-05. Review status: criteria provided, single submitter. Criteria: Invitae Variant Classification Sherloc (09022015). Collection method: clinical testing. Allele origin: germline.
Comment: For these reasons, this variant has been classified as Pathogenic. Experimental studies have shown that this missense change affects GRIN2A function (PMID: 27839871). Advanced modeling of protein sequence and biophysical properties (such as structural, functional, and spatial information, amino acid conservation, physicochemical variation, residue mobility, and thermodynamic stability) performed at Invitae indicates that this missense variant is expected to disrupt GRIN2A protein function. ClinVar contains an entry for this variant (Variation ID: 433124). This missense change has been observed in individual(s) with clinical features of GRIN2A-related conditions (PMID: 23933819, 28109652; Invitae). In at least one individual the variant was observed to be de novo. This variant is not present in population databases (gnomAD no frequency). This sequence change replaces alanine, which is neutral and non-polar, with threonine, which is neutral and polar, at codon 727 of the GRIN2A protein (p.Ala727Thr).

GeneDx
Classification: Pathogenic. Last evaluated: 2023-05-14. Review status: criteria provided, single submitter. Criteria: GeneDx Variant Classification Process June 2021. Collection method: clinical testing. Allele origin: germline. Affected: yes.
Comment: Identified in individuals with epilepsy in the published literature with either unknown segregation or inheritance from an unaffected parent (Lemke et al., 2013; von Stulpnagel et al., 2017); Published functional studies demonstrate reduced glutamate potency compared to wild type (Swanger et al., 2016); Not observed at significant frequency in large population cohorts (gnomAD); In silico analysis supports that this missense variant has a deleterious effect on protein structure/function; This variant is associated with the following publications: (PMID: 23933819, 29358611, 28109652, 35936491, 36516565, 27839871)

CeGaT Center for Human Genetics Tuebingen
Classification: Likely pathogenic. Last evaluated: 2018-10-01. Review status: criteria provided, single submitter. Criteria: CeGaT Center For Human Genetics Tuebingen Variant Classification Criteria Version 2. Collection method: clinical testing. Allele origin: germline. Affected: yes. Observed: 1 variant allele.

Kasturba Medical College, Manipal, Kasturba Medical College, Manipal, Manipal Academy of Higher Education, Manipal, India
Classification: Pathogenic for Landau-Kleffner syndrome. Review status: criteria provided, single submitter. Criteria: ACMG Guidelines, 2015. Collection method: clinical testing. Allele origin: maternal. Affected: yes. Observed: 2 variant alleles.

Gene Discovery Core-Manton Center, Boston Children's Hospital
Classification: Pathogenic for Landau-Kleffner syndrome. Last evaluated: 2020-02-14. Review status: no assertion criteria provided. Collection method: research. Allele origin: de novo. Affected: yes. Not counted in ClinVar's aggregate classification.
Comment: This variant is interpreted as Pathogenic for epilepsy and episodic atazia; Autosomal Dominant. PS2-De novo (both maternity and paternity confirmed) in a patient with the disease and no family history. PS3- Well-established in vitro or in vivo functional studies supportive of a damaging effect on the gene or gene product, PMID:27839871. PM1- Located in a mutational hot spot and/or critical and well-established functional domain (e.g., active site of an enzyme) without benign variation. PM2- Absent from controls in gnomad.PP3- Multiple lines of computational evidence support a deleterious effect on the gene or gene product. (conservation, evolutionary, splicing impact, etc.). PP5- Reputable source recently reports variant as pathogenic, but the evidence is not available to the laboratory to perform an independent evaluation (PMID: 23933819, PMID: 28109652)

Bioinformatics Core, Luxembourg Center for Systems Biomedicine
Classification: Pathogenic for Self-limited epilepsy with centrotemporal spikes. Last evaluated: 2017-01-01. Review status: no assertion criteria provided. Collection method: case-control. Allele origin: germline. Affected: yes. Study: EUROEPINOMICS COGIE. Not counted in ClinVar's aggregate classification.

Literature cited by the submitters: PubMed 27839871 (cited by Labcorp Genetics (formerly Invitae), Labcorp); PubMed 23933819 (cited by Labcorp Genetics (formerly Invitae), Labcorp); PubMed 28109652 (cited by Labcorp Genetics (formerly Invitae), Labcorp); PubMed 29358611 (cited by Bioinformatics Core, Luxembourg Center for Systems Biomedicine).

NM_001134407.3(GRIN2A):c.2179G>A (p.Ala727Thr)

Gene: GRIN2A (glutamate ionotropic receptor NMDA type subunit 2A; minus strand). Cytogenetic location: 16p13.2.
Variant type: single nucleotide variant.
Coding change: c.2179G>A on transcript NM_001134407.3 (MANE Select); coding-DNA position 2179, G replaced by A.
Protein change: p.Ala727Thr; replaces alanine 727 with threonine.
Molecular consequence: missense variant.
Genome position (GRCh38, 1-based): chr16:9,798,454, C>T on the plus strand (G>A on the coding strand, the complement: GRIN2A is on the minus strand). VCF-style: chr16-9798454-C-T. GRCh37 (hg19) VCF-style: chr16-9892311-C-T.
Other names: c.2179G>A, p.Ala727Thr (NM_000833.5, NM_001134408.2); short protein forms A727T.
Identifiers: ClinVar variation 433124 (VCV000433124.58), dbSNP rs1555488144, ClinGen allele CA394797328.